The following is an entry in ClinVar:

NM_000593.6(TAP1):c.611T>G (p.Ile204Ser)

Gene: TAP1 (transporter 1, ATP binding cassette subfamily B member; minus strand). Cytogenetic location: 6p21.32.
Variant type: single nucleotide variant.
Coding change: c.611T>G on transcript NM_000593.6 (MANE Select); coding-DNA position 611, T replaced by G.
Protein change: p.Ile204Ser; replaces isoleucine 204 with serine.
Molecular consequence: missense variant.
Genome position (GRCh38, 1-based): chr6:32,852,490, A>C on the plus strand (T>G on the coding strand, the complement: TAP1 is on the minus strand). VCF-style: chr6-32852490-A-C. GRCh37 (hg19) VCF-style: chr6-32820267-A-C.
Other names: c.8T>G, p.Ile3Ser (NM_001292022.2); short protein forms I3S, I204S.
Identifiers: ClinVar variation 1501578 (VCV001501578.6), dbSNP rs1229649183, ClinGen allele CA363581707.

ClinVar aggregate classification (germline): Uncertain significance (1 of 4 stars; one submission).

Conditions:
MHC class I deficiency. Identifiers: Orphanet 34592, MedGen C6024714, MONDO:0011476.

Allele frequency attached by ClinVar (database versions not stated): gnomAD exomes 0.00001.
gnomAD v4.1: 13 of 1,613,060 alleles (0.00081%); highest among the groups gnomAD compares: Non-Finnish European, 0.0011%; no homozygotes.

Submission:

Labcorp Genetics (formerly Invitae), Labcorp
Classification: Uncertain significance for MHC class I deficiency 1. Last evaluated: 2021-11-27. Review status: criteria provided, single submitter. Criteria: Invitae Variant Classification Sherloc (09022015). Collection method: clinical testing. Allele origin: germline.
Comment: This variant is present in population databases (no rsID available, gnomAD 0.002%). This sequence change replaces isoleucine, which is neutral and non-polar, with serine, which is neutral and polar, at codon 264 of the TAP1 protein (p.Ile264Ser). This variant has not been reported in the literature in individuals affected with TAP1-related conditions. In summary, the available evidence is currently insufficient to determine the role of this variant in disease. Therefore, it has been classified as a Variant of Uncertain Significance. Algorithms developed to predict the effect of missense changes on protein structure and function are either unavailable or do not agree on the potential impact of this missense change (SIFT: "Deleterious"; PolyPhen-2: "Possibly Damaging"; Align-GVGD: "Class C0").